The following is an entry in ClinVar:

NM_018417.6(ADCY10):c.3148G>A (p.Glu1050Lys)

Gene: ADCY10 (adenylate cyclase 10; minus strand). Cytogenetic location: 1q24.2.
Variant type: single nucleotide variant.
Coding change: c.3148G>A on transcript NM_018417.6 (MANE Select); coding-DNA position 3148, G replaced by A.
Protein change: p.Glu1050Lys; replaces glutamic acid 1050 with lysine.
Molecular consequence: missense variant.
Genome position (GRCh38, 1-based): chr1:167,836,470, C>T on the plus strand (G>A on the coding strand, the complement: ADCY10 is on the minus strand). VCF-style: chr1-167836470-C-T. GRCh37 (hg19) VCF-style: chr1-167805708-C-T.
Other names: c.2689G>A, p.Glu897Lys (NM_001167749.3); c.2872G>A, p.Glu958Lys (NM_001297772.2); short protein forms E1050K, E897K, E958K.
Identifiers: ClinVar variation 2967072 (VCV002967072.3), dbSNP rs895969024, ClinGen allele CA31435577.

ClinVar aggregate classification (germline): Uncertain significance (1 of 4 stars; one submission).

Allele frequency attached by ClinVar (database versions not stated): gnomAD exomes below 0.00001; TOPMed 0.00002.
gnomAD v4.1: 2 of 1,614,090 alleles (0.00012%); highest among the groups gnomAD compares: Non-Finnish European, 0.00017%; no homozygotes.

Submission:

Labcorp Genetics (formerly Invitae), Labcorp
Classification: Uncertain significance. Last evaluated: 2023-08-23. Review status: criteria provided, single submitter. Criteria: Invitae Variant Classification Sherloc (09022015). Collection method: clinical testing. Allele origin: germline.
Comment: An algorithm developed to predict the effect of missense changes on protein structure and function (PolyPhen-2) suggests that this variant is likely to be tolerated. This variant has not been reported in the literature in individuals affected with ADCY10-related conditions. This variant is present in population databases (no rsID available, gnomAD 0.0009%). This sequence change replaces glutamic acid, which is acidic and polar, with lysine, which is basic and polar, at codon 1050 of the ADCY10 protein (p.Glu1050Lys). In summary, the available evidence is currently insufficient to determine the role of this variant in disease. Therefore, it has been classified as a Variant of Uncertain Significance.